The following is an entry in ClinVar:

NM_001365308.1(BMPER):c.1978G>A (p.Val660Ile)

Gene: BMPER (BMP binding endothelial regulator; plus strand). Cytogenetic location: 7p14.3.
Variant type: single nucleotide variant.
Coding change: c.1978G>A on transcript NM_001365308.1 (MANE Select); coding-DNA position 1978, G replaced by A.
Protein change: p.Val660Ile; replaces valine 660 with isoleucine.
Molecular consequence: missense variant.
Genome position (GRCh38, 1-based): chr7:34,153,193, G>A. VCF-style: chr7-34153193-G-A. GRCh37 (hg19) VCF-style: chr7-34192805-G-A.
Other names: c.1978G>A, p.Val660Ile (NM_133468.5); c.1978G>A (NM_133468.3); short protein forms V660I.
Identifiers: ClinVar variation 360119 (VCV000360119.14), dbSNP rs376351419, ClinGen allele CA4215585.
Genomic context (GRCh38, chr7:34,153,193, plus strand): 5'-CCGGGATGTATCAAGACGTGTGACAACTGGAATGAAATTGGTCCATGCAACAAGCCGTGC[G>A]TTGCTGGGTGCCACTGTCCAGCAAACTTGGTCCTTCACAAGGGAAGGTGCATCAAGCCAG-3'
Protein context (NP_001352237.1, residues 650-670): NEIGPCNKPC[Val660Ile]AGCHCPANLV

ClinVar aggregate classification (germline): Conflicting classifications of pathogenicity. Review status: criteria provided, conflicting classifications (1 of 4 stars). 3 submissions from 3 submitters: Uncertain significance (2); Likely benign (1). Last evaluated 2025-09-03.

Conditions:
Inborn genetic diseases. Identifiers: MedGen C0950123, MeSH D030342.
Diaphanospondylodysostosis. Also called: VERTEBRAL OSSIFICATION, DEFECT IN, WITH NEPHROGENIC RESTS. Identifiers: Orphanet 66637, MedGen C1842691, MONDO:0011946, OMIM 608022.

Allele frequency attached by ClinVar (database versions not stated): ExAC 0.00002; gnomAD exomes 0.00006; TOPMed 0.00006; ESP Exome Variant Server 0.00008; gnomAD 0.00009.
gnomAD v4.1: 88 of 1,613,948 alleles (0.0055%); highest among the groups gnomAD compares: Admixed American, 0.015%; no homozygotes.

Submissions (3):

Labcorp Genetics (formerly Invitae), Labcorp
Classification: Uncertain significance. Last evaluated: 2025-09-03. Review status: criteria provided, single submitter. Criteria: Invitae Variant Classification Sherloc (09022015). Collection method: clinical testing. Allele origin: germline.
Comment: This sequence change replaces valine, which is neutral and non-polar, with isoleucine, which is neutral and non-polar, at codon 660 of the BMPER protein (p.Val660Ile). This variant is present in population databases (rs376351419, gnomAD 0.01%). This variant has not been reported in the literature in individuals affected with BMPER-related conditions. ClinVar contains an entry for this variant (Variation ID: 360119). Invitae Evidence Modeling of protein sequence and biophysical properties (such as structural, functional, and spatial information, amino acid conservation, physicochemical variation, residue mobility, and thermodynamic stability) indicates that this missense variant is not expected to disrupt BMPER protein function with a negative predictive value of 80%. In summary, the available evidence is currently insufficient to determine the role of this variant in disease. Therefore, it has been classified as a Variant of Uncertain Significance.

Ambry Genetics
Classification: Likely benign for Inborn genetic diseases. Last evaluated: 2022-05-20. Review status: criteria provided, single submitter. Criteria: Ambry Variant Classification Scheme 2023. Collection method: clinical testing. Allele origin: germline.

Illumina Laboratory Services, Illumina
Classification: Uncertain significance for Diaphanospondylodysostosis. Last evaluated: 2018-01-13. Review status: criteria provided, single submitter. Criteria: ICSL Variant Classification Criteria 13 December 2019. Collection method: clinical testing. Allele origin: germline.